The following is an entry in ClinVar:

NM_000125.4(ESR1):c.1728G>T (p.Ser576=)

Gene: ESR1 (estrogen receptor 1; plus strand). Cytogenetic location: 6q25.1.
Variant type: single nucleotide variant.
Coding change: c.1728G>T on transcript NM_000125.4 (MANE Select); coding-DNA position 1728, G replaced by T.
Protein change: p.Ser576=; no amino-acid change (serine 576 retained).
Molecular consequence: synonymous variant. On other transcripts: 3 prime UTR variant (3), intron variant (1).
Genome position (GRCh38, 1-based): chr6:152,098,906, G>T. VCF-style: chr6-152098906-G-T. GRCh37 (hg19) VCF-style: chr6-152420041-G-T.
Other names: c.1728G>T, p.Ser576= (NM_001122740.2, NM_001122741.2, NM_001122742.2 and 2 more transcripts); c.1734G>T, p.Ser578= (NM_001291230.2); c.1725G>T, p.Ser575= (NM_001291241.2); c.*143G>T (NM_001385570.1, NM_001385571.1, NM_001385572.1); c.851-26360G>T (NM_001328100.2).
Identifiers: ClinVar variation 4821135 (VCV004821135.4).
Genomic context (GRCh38, chr6:152,098,906, plus strand): 5'-AGGGGCATCCGTGGAGGAGACGGACCAAAGCCACTTGGCCACTGCGGGCTCTACTTCATC[G>T]CATTCCTTGCAAAAGTATTACATCACGGGGGAGGCAGAGGGTTTCCCTGCCACGGTCTGA-3'
Protein context (NP_000116.2, residues 566-586): SHLATAGSTS[Ser576=]HSLQKYYITG

ClinVar aggregate classification (germline): Likely benign (1 of 4 stars; one submission).

gnomAD v4.1: 159 of 1,614,184 alleles (0.0099%); highest among the groups gnomAD compares: Admixed American, 0.03%; no homozygotes.

Submission:

CeGaT Center for Human Genetics Tuebingen
Classification: Likely benign. Last evaluated: 2026-01-01. Review status: criteria provided, single submitter. Criteria: CeGaT Center For Human Genetics Tuebingen Variant Classification Criteria Version 2. Collection method: clinical testing. Allele origin: germline. Affected: yes. Observed: 1 variant allele.
Comment: ESR1: BP4, BP7